The following is an entry in ClinVar:

ClinVar aggregate classification (germline): Uncertain significance. Review status: criteria provided, multiple submitters, no conflicts (2 of 4 stars). 2 submissions from 2 submitters: Uncertain significance (2). Last evaluated 2023-11-14.

Conditions:
Congenital glaucoma. Identifiers: MedGen C0020302, MONDO:0020366.
Inborn genetic diseases. Identifiers: MedGen C0950123, MeSH D030342.

Allele frequency attached by ClinVar (database versions not stated): gnomAD 0.00012 and 0.00014; TOPMed 0.00021.
gnomAD v4.1: 32 of 1,574,202 alleles (0.002%); highest among the groups gnomAD compares: Admixed American, 0.043%; no homozygotes.

Submissions (2):

Ambry Genetics
Classification: Uncertain significance for Inborn genetic diseases. Last evaluated: 2023-11-14. Review status: criteria provided, single submitter. Criteria: Ambry Variant Classification Scheme 2023. Collection method: clinical testing. Allele origin: germline.

Labcorp Genetics (formerly Invitae), Labcorp
Classification: Uncertain significance for Congenital glaucoma. Last evaluated: 2021-08-31. Review status: criteria provided, single submitter. Criteria: Invitae Variant Classification Sherloc (09022015). Collection method: clinical testing. Allele origin: germline.
Comment: This sequence change replaces arginine with proline at codon 80 of the CYP1B1 protein (p.Arg80Pro). The arginine residue is moderately conserved and there is a moderate physicochemical difference between arginine and proline. This variant is not present in population databases (ExAC no frequency). This variant has not been reported in the literature in individuals affected with CYP1B1-related conditions. Algorithms developed to predict the effect of missense changes on protein structure and function are either unavailable or do not agree on the potential impact of this missense change (SIFT: "Deleterious"; PolyPhen-2: "Probably Damaging"; Align-GVGD: "Class C0"). In summary, the available evidence is currently insufficient to determine the role of this variant in disease. Therefore, it has been classified as a Variant of Uncertain Significance.

NM_000104.4(CYP1B1):c.239G>C (p.Arg80Pro)

Gene: CYP1B1 (cytochrome P450 family 1 subfamily B member 1; minus strand). Cytogenetic location: 2p22.2.
Variant type: single nucleotide variant.
Coding change: c.239G>C on transcript NM_000104.4 (MANE Select); coding-DNA position 239, G replaced by C.
Protein change: p.Arg80Pro; replaces arginine 80 with proline.
Molecular consequence: missense variant.
Genome position (GRCh38, 1-based): chr2:38,075,150, C>G on the plus strand (G>C on the coding strand, the complement: CYP1B1 is on the minus strand). VCF-style: chr2-38075150-C-G. GRCh37 (hg19) VCF-style: chr2-38302293-C-G.
Other names: short protein forms R80P.
Identifiers: ClinVar variation 849728 (VCV000849728.8), dbSNP rs899277811, ClinGen allele CA45511638.